The following is an entry in ClinVar:

NM_198075.4(LRRC56):c.728_729delinsTA (p.Pro243Leu)

Gene: LRRC56 (leucine rich repeat containing 56; plus strand). Cytogenetic location: 11p15.5.
Variant type: Indel.
Coding change: c.728_729delinsTA on transcript NM_198075.4 (MANE Select); coding-DNA positions 728 to 729, CG replaced by TA.
Protein change: p.Pro243Leu; replaces proline 243 with leucine.
Molecular consequence: missense variant.
Genome position (GRCh38, 1-based): chr11:551,234-551,235, CG replaced by TA. VCF-style: chr11-551234-CG-TA. GRCh37 (hg19) VCF-style: chr11-551234-CG-TA.
Other names: short protein forms P243L.
Identifiers: ClinVar variation 1979518 (VCV001979518.4), dbSNP rs2539916460, ClinGen allele CA2580083845.

ClinVar aggregate classification (germline): Uncertain significance (1 of 4 stars; one submission).

Submission:

Labcorp Genetics (formerly Invitae), Labcorp
Classification: Uncertain significance. Last evaluated: 2023-07-10. Review status: criteria provided, single submitter. Criteria: Invitae Variant Classification Sherloc (09022015). Collection method: clinical testing. Allele origin: germline.
Comment: In summary, the available evidence is currently insufficient to determine the role of this variant in disease. Therefore, it has been classified as a Variant of Uncertain Significance. An algorithm developed to predict the effect of missense changes on protein structure and function (PolyPhen-2) suggests that this variant is likely to be tolerated. ClinVar contains an entry for this variant (Variation ID: 1979518). This variant has not been reported in the literature in individuals affected with LRRC56-related conditions. This variant is present in population databases (no rsID available, gnomAD 0.0006%). This sequence change replaces proline, which is neutral and non-polar, with leucine, which is neutral and non-polar, at codon 243 of the LRRC56 protein (p.Pro243Leu).